The following is an entry in ClinVar:

ClinVar aggregate classification (germline): Uncertain significance (1 of 4 stars; one submission).

Conditions:
Autosomal recessive limb-girdle muscular dystrophy type 2L (LGMDR12). Also called: MUSCULAR DYSTROPHY, LIMB-GIRDLE, AUTOSOMAL RECESSIVE 12; Limb-Girdle Muscular Dystrophy R12 Anoctamin-5-Related (LGMD-R12); Limb-girdle muscular dystrophy, type 2L. Identifiers: Orphanet 206549, MedGen C1969785, MONDO:0012652, OMIM 611307.
Gnathodiaphyseal dysplasia (GDD). Also called: GNATHODIAPHYSEAL SCLEROSIS; OSTEOGENESIS IMPERFECTA WITH UNUSUAL SKELETAL LESIONS. Identifiers: Orphanet 53697, MedGen C1833736, MONDO:0008151, OMIM 166260.

Submission:

Labcorp Genetics (formerly Invitae), Labcorp
Classification: Uncertain significance for Autosomal recessive limb-girdle muscular dystrophy type 2L; Gnathodiaphyseal dysplasia. Last evaluated: 2022-02-03. Review status: criteria provided, single submitter. Criteria: Invitae Variant Classification Sherloc (09022015). Collection method: clinical testing. Allele origin: germline.
Comment: This sequence change replaces serine, which is neutral and polar, with threonine, which is neutral and polar, at codon 766 of the ANO5 protein (p.Ser766Thr). This variant is not present in population databases (gnomAD no frequency). This variant has not been reported in the literature in individuals affected with ANO5-related conditions. ClinVar contains an entry for this variant (Variation ID: 1022144). Advanced modeling of protein sequence and biophysical properties (such as structural, functional, and spatial information, amino acid conservation, physicochemical variation, residue mobility, and thermodynamic stability) performed at Invitae indicates that this missense variant is not expected to disrupt ANO5 protein function. In summary, the available evidence is currently insufficient to determine the role of this variant in disease. Therefore, it has been classified as a Variant of Uncertain Significance.

NM_213599.3(ANO5):c.2296T>A (p.Ser766Thr)

Gene: ANO5 (anoctamin 5; plus strand). Cytogenetic location: 11p14.3.
Variant type: single nucleotide variant.
Coding change: c.2296T>A on transcript NM_213599.3 (MANE Select); coding-DNA position 2296, T replaced by A.
Protein change: p.Ser766Thr; replaces serine 766 with threonine.
Molecular consequence: missense variant.
Genome position (GRCh38, 1-based): chr11:22,274,629, T>A. VCF-style: chr11-22274629-T-A. GRCh37 (hg19) VCF-style: chr11-22296175-T-A.
Other names: c.2293T>A, p.Ser765Thr (NM_001142649.2); short protein forms S765T, S766T.
Identifiers: ClinVar variation 1022144 (VCV001022144.9), dbSNP rs1854763150, ClinGen allele CA379924201.